The following is an entry in ClinVar:

ClinVar aggregate classification (germline): Uncertain significance (1 of 4 stars; one submission).

Submission:

Dasa
Classification: Uncertain significance. Last evaluated: 2025-04-01. Review status: criteria provided, single submitter. Criteria: DASA Assertion Criteria. Collection method: clinical testing. Allele origin: germline.
Comment: NM_000135.4(FANCA):c.1899A>G (p.Glu633=) is a synonymous variant predicted not to alter the encoded amino acid sequence. This variant has been observed in affected individuals with FANCA-related disorders. Also, this variant is absent from population databases. Computational prediction algorithms are consistent with a benign effect. The currently available literature and clinical evidence are not sufficient to establish a definitive association between this variant and the reported condition. Therefore, this variant is classified as a variant of uncertain significance.

NM_000135.4(FANCA):c.1899A>G (p.Glu633=)

Gene: FANCA (FA complementation group A; minus strand). Cytogenetic location: 16q24.3.
Variant type: single nucleotide variant.
Coding change: c.1899A>G on transcript NM_000135.4 (MANE Select); coding-DNA position 1899, A replaced by G.
Protein change: p.Glu633=; no amino-acid change (glutamic acid 633 retained).
Molecular consequence: synonymous variant.
Genome position (GRCh38, 1-based): chr16:89,775,743, T>C on the plus strand (A>G on the coding strand, the complement: FANCA is on the minus strand). VCF-style: chr16-89775743-T-C. GRCh37 (hg19) VCF-style: chr16-89842151-T-C.
Other names: c.1899A>G, p.Glu633= (NM_001286167.3).
Identifiers: ClinVar variation 4883233 (VCV004883233.2).